The following is an entry in ClinVar:

NM_022167.4(XYLT2):c.1302C>T (p.Ala434=)

Gene: XYLT2 (xylosyltransferase 2; plus strand). Cytogenetic location: 17q21.33.
Variant type: single nucleotide variant.
Coding change: c.1302C>T on transcript NM_022167.4 (MANE Select); coding-DNA position 1302, C replaced by T.
Protein change: p.Ala434=; no amino-acid change (alanine 434 retained).
Molecular consequence: synonymous variant.
Genome position (GRCh38, 1-based): chr17:50,355,994, C>T. VCF-style: chr17-50355994-C-T. GRCh37 (hg19) VCF-style: chr17-48433355-C-T.
Identifiers: ClinVar variation 765152 (VCV000765152.10), dbSNP rs1234412932, ClinGen allele CA500993467.

ClinVar aggregate classification (germline): Likely benign. Review status: criteria provided, single submitter (1 of 4 stars). 2 submissions from 2 submitters: Likely benign (1). 1 of the submissions does not count toward it. Last evaluated 2022-01-11.

Conditions:
XYLT2-related disorder. Also called: XYLT2-related condition.

Allele frequency attached by ClinVar (database versions not stated): gnomAD exomes 0.00001 and 0.00002; TOPMed 0.00002; gnomAD 0.00002.
gnomAD v4.1: 36 of 1,614,096 alleles (0.0022%); highest among the groups gnomAD compares: Non-Finnish European, 0.0025%; no homozygotes.

Submissions (2):

Labcorp Genetics (formerly Invitae), Labcorp
Classification: Likely benign. Last evaluated: 2022-01-11. Review status: criteria provided, single submitter. Criteria: Invitae Variant Classification Sherloc (09022015). Collection method: clinical testing. Allele origin: germline.

PreventionGenetics, part of Exact Sciences
Classification: Likely benign for XYLT2-related condition. Last evaluated: 2024-02-05. Review status: no assertion criteria provided. Collection method: clinical testing. Allele origin: germline. Not counted in ClinVar's aggregate classification.
Comment: This variant is classified as likely benign based on ACMG/AMP sequence variant interpretation guidelines (Richards et al. 2015 PMID: 25741868, with internal and published modifications).